The following is an entry in ClinVar:

ClinVar aggregate classification (germline): Uncertain significance. Review status: criteria provided, multiple submitters, no conflicts (2 of 4 stars). 2 submissions from 2 submitters: Uncertain significance (2). Last evaluated 2024-07-25.

Conditions:
Inborn genetic diseases. Identifiers: MedGen C0950123, MeSH D030342.

Allele frequency attached by ClinVar (database versions not stated): gnomAD exomes 0.00001 and 0.00003; ExAC 0.00002; ESP Exome Variant Server 0.00008; gnomAD 0.00013 and 0.00014; TOPMed 0.00017.
gnomAD v4.1: 32 of 1,604,618 alleles (0.002%); highest among the groups gnomAD compares: African/African-American, 0.036%; no homozygotes.

Submissions (2):

Ambry Genetics
Classification: Uncertain significance for Inborn genetic diseases. Last evaluated: 2024-07-25. Review status: criteria provided, single submitter. Criteria: Ambry Variant Classification Scheme 2023. Collection method: clinical testing. Allele origin: germline.

Labcorp Genetics (formerly Invitae), Labcorp
Classification: Uncertain significance. Last evaluated: 2021-12-15. Review status: criteria provided, single submitter. Criteria: Invitae Variant Classification Sherloc (09022015). Collection method: clinical testing. Allele origin: germline.
Comment: This variant has not been reported in the literature in individuals affected with ANXA11-related conditions. In summary, the available evidence is currently insufficient to determine the role of this variant in disease. Therefore, it has been classified as a Variant of Uncertain Significance. Algorithms developed to predict the effect of missense changes on protein structure and function are either unavailable or do not agree on the potential impact of this missense change (SIFT: "Deleterious"; PolyPhen-2: "Benign"; Align-GVGD: "Class C0"). This variant is present in population databases (rs146991024, gnomAD 0.03%). This sequence change replaces isoleucine, which is neutral and non-polar, with valine, which is neutral and non-polar, at codon 224 of the ANXA11 protein (p.Ile224Val).

NM_145868.2(ANXA11):c.670A>G (p.Ile224Val)

Gene: ANXA11 (annexin A11; minus strand). Cytogenetic location: 10q22.3.
Variant type: single nucleotide variant.
Coding change: c.670A>G on transcript NM_145868.2 (MANE Select); coding-DNA position 670, A replaced by G.
Protein change: p.Ile224Val; replaces isoleucine 224 with valine.
Molecular consequence: missense variant.
Genome position (GRCh38, 1-based): chr10:80,166,964, T>C on the plus strand (A>G on the coding strand, the complement: ANXA11 is on the minus strand). VCF-style: chr10-80166964-T-C. GRCh37 (hg19) VCF-style: chr10-81926720-T-C.
Other names: c.670A>G (NM_001157.2); c.670A>G, p.Ile224Val (NM_001157.3, NM_001278407.2, NM_001278408.2 and 1 more transcripts); c.571A>G, p.Ile191Val (NM_001278409.2); short protein forms I191V, I224V.
Identifiers: ClinVar variation 1439182 (VCV001439182.7), dbSNP rs146991024, ClinGen allele CA5576184.
Genomic context (GRCh38, chr10:80,166,964, plus strand): 5'-TCTTGAAGGAAAGTAGGATCTGCTGCCGCTGCTTGTTGGAGCGACTCCCCAGGCAGTCAA[T>C]GATGGCCTGCTCATCCGTCCCTGGAGGAAGAGGCAGCAGGGGTGGGTCGGGTAGGGGTCA-3'
Protein context (NP_665875.1, residues 214-234): KGFGTDEQAI[Ile224Val]DCLGSRSNKQ